The following is an entry in ClinVar:

NM_024675.4(PALB2):c.656A>G (p.Asp219Gly)

Gene: PALB2 (partner and localizer of BRCA2; minus strand). Cytogenetic location: 16p12.2.
Variant type: single nucleotide variant.
Coding change: c.656A>G on transcript NM_024675.4 (MANE Select); coding-DNA position 656, A replaced by G.
Protein change: p.Asp219Gly; replaces aspartic acid 219 with glycine.
Molecular consequence: missense variant.
Genome position (GRCh38, 1-based): chr16:23,635,890, T>C on the plus strand (A>G on the coding strand, the complement: PALB2 is on the minus strand). VCF-style: chr16-23635890-T-C. GRCh37 (hg19) VCF-style: chr16-23647211-T-C.
Other names: p.D219G:GAC>GGC; short protein forms D219G.
Identifiers: ClinVar variation 126763 (VCV000126763.69), dbSNP rs45594034, ClinGen allele CA294094.

ClinVar aggregate classification (germline): Conflicting classifications of pathogenicity. Review status: criteria provided, conflicting classifications (1 of 4 stars). 20 submissions from 20 submitters: Uncertain significance (6); Likely benign (12). 2 of the submissions do not count toward it. Last evaluated 2026-08-06.

Conditions:
PALB2-related disorder. Also called: PALB2-related disorders; PALB2-related condition.
Breast-ovarian cancer, familial, susceptibility to, 5 (BROVCA5). Identifiers: MedGen C5830615, MONDO:0957530, OMIM 620442.
Hereditary cancer. Identifiers: MedGen C1333600.
Hereditary cancer-predisposing syndrome. Also called: Neoplastic Syndromes, Hereditary; Hereditary Cancer Syndrome; Tumor predisposition; Hereditary neoplastic syndrome. Identifiers: Orphanet 140162, MedGen C0027672, MeSH D009386, MONDO:0015356.
Familial cancer of breast. Also called: hereditary breast carcinoma; BREAST CANCER, FAMILIAL; Hereditary breast cancer. Identifiers: Orphanet 227535, MedGen C0346153, MONDO:0016419, OMIM 114480. Disease mechanism: loss of function.
Pancreatic cancer, susceptibility to, 3. Identifiers: Orphanet 1333, MedGen C3150547, MONDO:0013236, OMIM 613348.

Allele frequency attached by ClinVar (database versions not stated): ESP Exome Variant Server 0.00015; 1000 Genomes Project 30x 0.00016; ExAC 0.00017; 1000 Genomes Project 0.00020; gnomAD exomes 0.00020 and 0.00029; gnomAD 0.00021; TOPMed 0.00025.
gnomAD v4.1: 440 of 1,614,126 alleles (0.027%); highest among the groups gnomAD compares: Non-Finnish European, 0.034%; 1 homozygote.

Submissions 1 to 14 of 20:

OLLIN Analises Genomicas, OLLIN
Classification: Uncertain significance for Pancreatic cancer, susceptibility to, 3. Last evaluated: 2026-08-06. Review status: criteria provided, single submitter. Criteria: ACMG Guidelines 2015 PMID 25741868. Collection method: clinical testing. Allele origin: germline. Inheritance: Autosomal recessive inheritance.
Comment: This missense variant, located in exon 4 (of 13), has been reported in ClinVar (accession VCV000126763.67) and in gnomAD with an allele frequency of 0.027%. However, to our knowledge, it has not been reported in the scientific literature. In silico analysis is inconclusive regarding the impact of this variant. According to the currently available evidence, this variant has been classified as uncertain significance (BS1).

CeGaT Center for Human Genetics Tuebingen
Classification: Likely benign. Last evaluated: 2026-07-01. Review status: criteria provided, single submitter. Criteria: CeGaT Center For Human Genetics Tuebingen Variant Classification Criteria Version 2. Collection method: clinical testing. Allele origin: germline. Affected: yes. Observed: 2 variant alleles.
Comment: PALB2: BP1, BP4

Women's Health and Genetics/Laboratory Corporation of America, LabCorp
Classification: Likely benign. Last evaluated: 2026-05-08. Review status: criteria provided, single submitter. Criteria: LabCorp Variant Classification Summary - May 2015. Collection method: clinical testing. Allele origin: germline.
Comment: Variant summary: PALB2 c.656A>G (p.Asp219Gly) results in a non-conservative amino acid change in the encoded protein sequence. Four of five in-silico tools predict a benign effect of the variant on protein function. The variant allele was found at a frequency of 0.0002 in 264172 control chromosomes, predominantly at a frequency of 0.00033 within the Non-Finnish European subpopulation in the gnomAD database. The observed variant frequency within Non-Finnish European control individuals in the gnomAD database is approximately 2 fold of the estimated maximal expected allele frequency for a pathogenic variant in PALB2 causing Hereditary Breast and Ovarian Cancer Syndrome phenotype (0.00016), strongly suggesting that the variant is a benign polymorphism found primarily in populations of Non-Finnish European origin. c.656A>G has been reported in the literature in multiple affected individuals (including BRCA1/2 negative individuals) with limited information for an independent assessment (such as co-segregation) (example: Blanco_2013, Damiola_2015, Casas-Arozamena_2020). However, It was also observed in unaffected individuals (example: Ramus_2015, Dansonka-Mieszkowska_2010, Kraemer_2019). These reports therefore do not provide unequivocal conclusions about association of the variant with Hereditary Breast and Ovarian Cancer. To our knowledge, no experimental evidence evaluating an impact on protein function has been reported. The following publications have been ascertained in the context of this evaluation (PMID: 27621404, 23935836, 32098121, 28678401, 26564480, 20122277, 23555315, 21618343, 31422574, 27153395, 19763884, 17200668, 26315354, 23448497, 26283626, 25186627). ClinVar contains an entry for this variant (Variation ID: 126763). Based on the evidence outlined above, the variant was classified as likely benign.

Labcorp Genetics (formerly Invitae), Labcorp
Classification: Likely benign for Familial cancer of breast. Last evaluated: 2026-01-26. Review status: criteria provided, single submitter. Criteria: Invitae Variant Classification Sherloc (09022015). Collection method: clinical testing. Allele origin: germline.

Quest Diagnostics Nichols Institute San Juan Capistrano
Classification: Likely benign. Last evaluated: 2025-10-03. Review status: criteria provided, single submitter. Criteria: Quest Diagnostics criteria. Collection method: clinical testing. Allele origin: unknown.

Center for Genomic Medicine, Rigshospitalet, Copenhagen University Hospital
Classification: Uncertain significance. Last evaluated: 2025-03-04. Review status: criteria provided, single submitter. Criteria: ACMG Guidelines, 2015. Collection method: clinical testing. Allele origin: germline.

Hereditary Cancer Laboratory, Hospital Universitario 12 de Octubre
Classification: Likely benign for Hereditary cancer-predisposing syndrome. Last evaluated: 2025-02-10. Review status: criteria provided, single submitter. Criteria: ACMG Guidelines, 2015. Collection method: clinical testing. Allele origin: germline.
Comment: BS1 + BP4

Myriad Genetics, Inc.
Classification: Likely benign for Familial cancer of breast. Last evaluated: 2025-01-10. Review status: criteria provided, single submitter. Criteria: Myriad Autosomal Dominant, Autosomal Recessive and X-Linked Classification Criteria (2023). Collection method: clinical testing. Allele origin: unknown.
Comment: This variant is considered likely benign. This variant is strongly associated with less severe personal and family histories of cancer, typical for individuals without pathogenic variants in this gene [PMID: 25085752].

PreventionGenetics, part of Exact Sciences
Classification: Likely benign for PALB2-related condition. Last evaluated: 2024-11-07. Review status: criteria provided, single submitter. Criteria: ACMG Guidelines, 2015. Collection method: clinical testing. Allele origin: germline.
Comment: This variant is classified as likely benign based on ACMG/AMP sequence variant interpretation guidelines (Richards et al. 2015 PMID: 25741868, with internal and published modifications).

Molecular Diagnostics Laboratory, Catalan Institute of Oncology
Classification: Likely benign for Hereditary cancer-predisposing syndrome. Last evaluated: 2024-09-24. Review status: criteria provided, single submitter. Criteria: ClinGen ACMG Specifications PALB2 V1.0.0. Collection method: clinical testing. Allele origin: germline.
Comment: BS1, BP1 c.656A>G, located in exon 4 of the PALB2 gene, is predicted to result in the substitution of aspartic acid by glycine at codon 219, p.(Asp219Gly). This is a missense variant in a gene with low rate of missense variants that are non-functional in relevant assays (BP1). The variant allele was found in 38/118096 alleles, with a filter allele frequency of 0.24% at 99% confidence, within the non-Finnish European population in the gnomAD v2.1.1 database (non-cancer data set) (BS1). To our knowledge, no well-established functional studies have been reported for this variant. It has been reported in multiple cancer-affected individuals (PMID: 17200668, 20722467, 19763884, 21618343, 23935836, 23448497, 26976419, 28779002), as well as in healthy individuals and in a BRCA2 pathogenic variant carrier (20122277, 26315354, 26976419). Based on currently available information, the variant c.656A>G should be considered a likely benign variant.

Mendelics
Classification: Likely benign for Hereditary cancer. Last evaluated: 2024-01-23. Review status: criteria provided, single submitter. Criteria: ACMG Guidelines, 2015. Collection method: clinical testing. Allele origin: unknown.

Department of Pathology and Laboratory Medicine, Sinai Health System
Classification: Uncertain significance for Breast-ovarian cancer, familial, susceptibility to, 5. Last evaluated: 2023-05-12. Review status: criteria provided, single submitter. Criteria: ACMG Guidelines, 2015. Collection method: clinical testing. Allele origin: germline. Affected: yes.

Genetic Services Laboratory, University of Chicago
Classification: Uncertain significance. Last evaluated: 2021-12-17. Review status: criteria provided, single submitter. Criteria: ACMG Guidelines, 2015. Collection method: clinical testing. Allele origin: germline. Affected: no.
Comment: DNA sequence analysis of the PALB2 gene demonstrated a sequence change, c.656A>G, in exon 4 that results in an amino acid change, p.Asp219Gly. This sequence change has been described in the gnomAD database with a frequency of 0.03% in the non-Finnish European subpopulation (dbSNP rs45594034). The p.Asp219Gly change affects a poorly conserved amino acid residue located in a domain of the PALB2 protein that is not known to be functional. The p.Asp219Gly substitution appears to be benign using several in-silico pathogenicity prediction tools (SIFT, PolyPhen2, Align GVGD, REVEL). This sequence change has been previously described in individuals with PALB2-associated cancers as well as in individuals without a cancer history (PMID: 21618343, 23448497, 17200668, 20722467, 23935836, 26283626, 26976419, 20122277, 26315354, FLOSSIES database). Due to contrasting evidences and the lack of functional studies, the clinical significance of the p.Asp219Gly change remains unknown at this time.

GeneDx
Classification: Likely benign. Last evaluated: 2021-01-22. Review status: criteria provided, single submitter. Criteria: GeneDx Variant Classification Process June 2021. Collection method: clinical testing. Allele origin: germline. Affected: yes.
Comment: In silico analysis supports that this variant does not alter protein structure/function; This variant is associated with the following publications: (PMID: 26283626, 20722467, 26564480, 19763884, 20122277, 21618343, 23448497, 23935836, 17200668, 25186627, 26976419, 25801821, 27621404, 26315354, 27153395, 28779002, 23555315, 29522266, 31422574)